The following is an entry in ClinVar:

NM_004667.6(HERC2):c.14497_*2del (p.Gly4833fs)

Gene: HERC2 (HECT and RLD domain containing E3 ubiquitin protein ligase 2; minus strand). Cytogenetic location: 15q13.1.
Variant type: Deletion.
Coding change: c.14497_*2del on transcript NM_004667.6 (MANE Select); coding-DNA position 14497 through 2 bases downstream of the stop codon, 11 bases deleted (GGACACTAAGA).
Protein change: p.Gly4833fs; shifts the reading frame from glycine 4833.
Molecular consequence: frameshift variant.
Genome position (GRCh38, 1-based): chr15:28,111,761-28,111,771, TCTTAGTGTCC deleted on the plus strand (GGACACTAAGA on the coding strand, the reverse complement: HERC2 is on the minus strand); deleting any 11 consecutive bases within chr15:28,111,761-28,111,772 gives the same sequence; the c. name uses the placement nearest the transcript's 3' end. VCF-style (leftmost placement, unchanged base first): chr15-28111760-ATCTTAGTGTCC-A. GRCh37 (hg19) VCF-style: chr15-28356906-ATCTTAGTGTCC-A.
Other names: c.14497_*2del11 (NM_004667.6); short protein forms G4833fs.
Identifiers: ClinVar variation 3339223 (VCV003339223.2).

ClinVar aggregate classification (germline): Uncertain significance. Review status: criteria provided, multiple submitters, no conflicts (2 of 4 stars). 2 submissions from 2 submitters: Uncertain significance (2). Last evaluated 2025-08-06.

Submissions (2):

GeneDx
Classification: Uncertain significance. Last evaluated: 2025-08-06. Review status: criteria provided, single submitter. Criteria: GeneDx Variant Classification Process June 2021. Collection method: clinical testing. Allele origin: germline. Affected: yes.
Comment: Frameshift variant predicted to result in abnormal protein length as the last 2 amino acid(s) are replaced with 7 different amino acid(s) with an unclear effect on protein function; Has not been previously published as pathogenic or benign to our knowledge

Women's Health and Genetics/Laboratory Corporation of America, LabCorp
Classification: Uncertain significance. Last evaluated: 2024-07-01. Review status: criteria provided, single submitter. Criteria: LabCorp Variant Classification Summary - May 2015. Collection method: clinical testing. Allele origin: germline.
Comment: Variant summary: HERC2 c.14497_*2del11 (p.Gly4833TrpfsX8) causes a frameshift which results in an extension of the protein. The variant allele was found at a frequency of 4e-05 in 251362 control chromosomes. This frequency is not significantly higher than estimated for a pathogenic variant in HERC2 causing Intellectual Developmental Disorder, Autosomal Recessive 38, allowing no conclusion about variant significance. To our knowledge, no occurrence of c.14497_*2del11 in individuals affected with Intellectual Developmental Disorder, Autosomal Recessive 38 and no experimental evidence demonstrating its impact on protein function have been reported. No submitters have cited clinical-significance assessments for this variant to ClinVar. Based on the evidence outlined above, the variant was classified as uncertain significance.